The following is an entry in ClinVar:

NM_000021.4(PSEN1):c.711T>C (p.Phe237=)

Gene: PSEN1 (presenilin 1; plus strand). Cytogenetic location: 14q24.2.
Variant type: single nucleotide variant.
Coding change: c.711T>C on transcript NM_000021.4 (MANE Select); coding-DNA position 711, T replaced by C.
Protein change: p.Phe237=; no amino-acid change (phenylalanine 237 retained).
Molecular consequence: synonymous variant.
Genome position (GRCh38, 1-based): chr14:73,192,806, T>C. VCF-style: chr14-73192806-T-C. GRCh37 (hg19) VCF-style: chr14-73659514-T-C.
Other names: c.699T>C, p.Phe233= (NM_007318.3).
Identifiers: ClinVar variation 705597 (VCV000705597.9), dbSNP rs750352441, ClinGen allele CA7256802.
Genomic context (GRCh38, chr14:73,192,806, plus strand): 5'-TCCACTTCGACTCCAGCAGGCATATCTCATTATGATTAGTGCCCTCATGGCCCTGGTGTT[T>C]ATCAAGTACCTCCCTGAATGGACTGCGTGGCTCATCTTGGCTGTGATTTCAGTATATGGT-3'
Protein context (NP_000012.1, residues 227-247): IMISALMALV[Phe237=]IKYLPEWTAW

ClinVar aggregate classification (germline): Likely benign. Review status: criteria provided, multiple submitters, no conflicts (2 of 4 stars). 2 submissions from 2 submitters: Likely benign (2). Last evaluated 2026-08-01.

Conditions:
Alzheimer disease 3 (AD3). Also called: ALZHEIMER DISEASE, FAMILIAL, 3. Identifiers: Orphanet 1020, MedGen C1843013, MONDO:0011913, OMIM 607822.
Pick disease. Also called: LOBAR ATROPHY OF BRAIN; Pick's disease; Pick Disease of the Brain; PICK DISEASE OF BRAIN; DEMENTIA WITH LOBAR ATROPHY AND NEURONAL CYTOPLASMIC INCLUSIONS. Identifiers: Orphanet 282, MedGen C0236642, MONDO:0008243, OMIM 172700.
Frontotemporal dementia (FTD1). Also called: FRONTOTEMPORAL DEMENTIA WITH PARKINSONISM; FRONTOTEMPORAL LOBE DEMENTIA; MULTIPLE SYSTEM TAUOPATHY WITH PRESENILE DEMENTIA; WILHELMSEN-LYNCH DISEASE; Dementia, frontotemporal, with or without parkinsonism; Frontotemporal Dementia with Parkinsonism-17 (FTDP-17). Identifiers: Orphanet 282, MedGen C0338451, MONDO:0017276, OMIM 600274, HP:0002145.
Acne inversa, familial, 3 (ACNINV3). Identifiers: MedGen C3151038, MONDO:0013398, OMIM 613737.

Allele frequency attached by ClinVar (database versions not stated): gnomAD exomes 0.00001 and 0.00004; ExAC 0.00004; gnomAD 0.00015 and 0.00016; TOPMed 0.00020.
gnomAD v4.1: 37 of 1,614,102 alleles (0.0023%); highest among the groups gnomAD compares: African/African-American, 0.039%; no homozygotes.

Submissions (2):

CeGaT Center for Human Genetics Tuebingen
Classification: Likely benign. Last evaluated: 2026-08-01. Review status: criteria provided, single submitter. Criteria: CeGaT Center For Human Genetics Tuebingen Variant Classification Criteria Version 2. Collection method: clinical testing. Allele origin: germline. Affected: yes. Observed: 1 variant allele.
Comment: PSEN1: BP4, BP7

Labcorp Genetics (formerly Invitae), Labcorp
Classification: Likely benign for Alzheimer disease 3; Pick disease; Acne inversa, familial, 3; Frontotemporal dementia. Last evaluated: 2025-12-28. Review status: criteria provided, single submitter. Criteria: Invitae Variant Classification Sherloc (09022015). Collection method: clinical testing. Allele origin: germline.